The following is an entry in ClinVar:

NM_004656.4(BAP1):c.778C>A (p.Gln260Lys)

Gene: BAP1 (BRCA1 associated deubiquitinase 1; minus strand). Cytogenetic location: 3p21.1.
Variant type: single nucleotide variant.
Coding change: c.778C>A on transcript NM_004656.4 (MANE Select); coding-DNA position 778, C replaced by A.
Protein change: p.Gln260Lys; replaces glutamine 260 with lysine.
Molecular consequence: missense variant.
Genome position (GRCh38, 1-based): chr3:52,406,258, G>T on the plus strand (C>A on the coding strand, the complement: BAP1 is on the minus strand). VCF-style: chr3-52406258-G-T. GRCh37 (hg19) VCF-style: chr3-52440274-G-T.
Other names: c.778C>A (NM_004656.2); short protein forms Q260K.
Identifiers: ClinVar variation 1402752 (VCV001402752.9), dbSNP rs864622592, ClinGen allele CA353107038.
Genomic context (GRCh38, chr3:52,406,258, plus strand): 5'-GGAGGAATGCAGGGAGGGTTGGGCTGGGCAGAGGCCAGGAAGAAAGGGCACCTACCTGCT[G>T]CAGAGCCTCTAGTACTGTCTGACGGTTCACCTTCAGCACATGCAGCCTGGCCTCATACTT-3'
Protein context (NP_004647.1, residues 250-270): VNRQTVLEAL[Gln260Lys]QLIRVTQPEL

ClinVar aggregate classification (germline): Uncertain significance. Review status: criteria provided, multiple submitters, no conflicts (2 of 4 stars). 2 submissions from 2 submitters: Uncertain significance (2). Last evaluated 2026-07-11.

Conditions:
Hereditary cancer-predisposing syndrome. Also called: Hereditary Cancer Syndrome; Neoplastic Syndromes, Hereditary; Hereditary neoplastic syndrome; Tumor predisposition. Identifiers: Orphanet 140162, MedGen C0027672, MeSH D009386, MONDO:0015356.
BAP1-related tumor predisposition syndrome (TPDS1). Also called: BAP1 tumor predisposition syndrome; Tumor susceptibility linked to germline BAP1 mutations; COMMON Syndrome; TUMOR PREDISPOSITION SYNDROME 1. Identifiers: Orphanet 289539, MedGen C3280492, MONDO:0013692, OMIM 614327.

gnomAD v4.1: 1 of 1,614,180 alleles (0.000062%); highest among the groups gnomAD compares: East Asian, 0.0022%; no homozygotes.

Submissions (2):

Ambry Genetics
Classification: Uncertain significance for Hereditary cancer-predisposing syndrome. Last evaluated: 2026-07-11. Review status: criteria provided, single submitter. Criteria: Ambry Variant Classification Scheme 2023. Collection method: clinical testing. Allele origin: germline.
Comment: The p.Q260K variant (also known as c.778C>A), located in coding exon 9 of the BAP1 gene, results from a C to A substitution at nucleotide position 778. The glutamine at codon 260 is replaced by lysine, an amino acid with similar properties. This amino acid position is conserved. In addition, the in silico prediction for this alteration is inconclusive. Based on the available evidence, the clinical significance of this variant remains unclear.

Labcorp Genetics (formerly Invitae), Labcorp
Classification: Uncertain significance for BAP1-related tumor predisposition syndrome. Last evaluated: 2025-05-04. Review status: criteria provided, single submitter. Criteria: Invitae Variant Classification Sherloc (09022015). Collection method: clinical testing. Allele origin: germline.
Comment: This sequence change replaces glutamine, which is neutral and polar, with lysine, which is basic and polar, at codon 260 of the BAP1 protein (p.Gln260Lys). This variant is not present in population databases (gnomAD no frequency). This variant has not been reported in the literature in individuals affected with BAP1-related conditions. ClinVar contains an entry for this variant (Variation ID: 1402752). Invitae Evidence Modeling of protein sequence and biophysical properties (such as structural, functional, and spatial information, amino acid conservation, physicochemical variation, residue mobility, and thermodynamic stability) indicates that this missense variant is not expected to disrupt BAP1 protein function with a negative predictive value of 80%. In summary, the available evidence is currently insufficient to determine the role of this variant in disease. Therefore, it has been classified as a Variant of Uncertain Significance.